The following is an entry in ClinVar:

ClinVar aggregate classification (germline): Uncertain significance (1 of 4 stars; one submission).

Conditions:
Brody myopathy. Also called: BRODY DISEASE. Identifiers: Orphanet 53347, MedGen C1832918, MONDO:0010977, OMIM 601003.

Submission:

Labcorp Genetics (formerly Invitae), Labcorp
Classification: Uncertain significance for Brody myopathy. Last evaluated: 2016-12-14. Review status: criteria provided, single submitter. Criteria: Invitae Variant Classification Sherloc (09022015). Collection method: clinical testing. Allele origin: germline.
Comment: This variant is a gross duplication of the genomic region encompassing exons 1-5 of the ATP2A1 gene. The 5' end of this event is unknown as it extends beyond the assayed region for this gene and therefore may encompass additional genes. The 3' boundary is likely confined to intron 5 of the ATP2A1 gene. This variant has not been reported in the literature in an individual with an ATP2A1-related disease. Experimental studies and prediction algorithms are not available for this variant, and the functional significance of this duplication is currently unknown. In summary, the exact genomic location of this variant is unknown and the impact of this duplication on ATP2A1 protein function has not been established. Therefore, it has been classified as a Variant of Uncertain Significance.

NC_000016.9:g.(?_28889809)_(28893910_?)dup

Gene: ATP2A1 (ATPase sarcoplasmic/endoplasmic reticulum Ca2+ transporting 1; plus strand). Cytogenetic location: 16p11.2.
Variant type: Duplication.
Identifiers: ClinVar variation 464066 (VCV000464066.1).